The following is an entry in ClinVar:

ClinVar aggregate classification (germline): Uncertain significance (1 of 4 stars; one submission).

Submission:

GeneDx
Classification: Uncertain significance. Last evaluated: 2024-11-11. Review status: criteria provided, single submitter. Criteria: GeneDx Variant Classification Process June 2021. Collection method: clinical testing. Allele origin: germline. Affected: yes.
Comment: Not observed at significant frequency in large population cohorts (gnomAD); In silico analysis supports that this missense variant has a deleterious effect on protein structure/function; Has not been previously published as pathogenic or benign to our knowledge

NM_001395413.1(POR):c.961G>A (p.Ala321Thr)

Genes: POR (cytochrome p450 oxidoreductase; plus strand), LOC126860075 (CDK7 strongly-dependent group 2 enhancer GRCh37_chr7:75612087-75613286; plus strand). Cytogenetic location: 7q11.23.
Variant type: single nucleotide variant.
Coding change: c.961G>A on transcript NM_001395413.1 (MANE Select); coding-DNA position 961, G replaced by A.
Protein change: p.Ala321Thr; replaces alanine 321 with threonine.
Molecular consequence: missense variant.
Genome position (GRCh38, 1-based): chr7:75,983,760, G>A. VCF-style: chr7-75983760-G-A. GRCh37 (hg19) VCF-style: chr7-75613078-G-A.
Other names: c.961G>A, p.Ala321Thr (NM_001367562.3, NM_001382657.2, NM_001382658.3 and 2 more transcripts); c.1015G>A, p.Ala339Thr (NM_001382655.3); c.970G>A (NM_000941.2); short protein forms A321T, A339T.
Identifiers: ClinVar variation 3898773 (VCV003898773.1).
Genomic context (GRCh38, chr7:75,983,760, plus strand): 5'-AGCCTTCCGCCCCTCCCGAGCCTCACATCTCCCTCCAGGTATGAATCTGGGGACCACGTG[G>A]CTGTGTACCCAGCCAACGACTCTGCTCTCGTCAACCAGCTGGGCAAAATCCTGGGTGCCG-3'
Protein context (NP_001382342.1, residues 311-331): KIRYESGDHV[Ala321Thr]VYPANDSALV